The following is an entry in ClinVar:

NM_001378452.1(ITPR1):c.951+6_951+8del

Gene: ITPR1 (inositol 1,4,5-trisphosphate receptor type 1; plus strand). Cytogenetic location: 3p26.1.
Variant type: Deletion.
Coding change: c.951+6_951+8del on transcript NM_001378452.1 (MANE Select); bases 6 to 8 of the intron after coding-DNA position 951, 3 bases deleted (TAG; older notation c.951+6_951+8delTAG).
Molecular consequence: intron variant.
Genome position (GRCh38, 1-based): chr3:4,652,224-4,652,226, TAG deleted; deleting any 3 consecutive bases within chr3:4,652,222-4,652,226 gives the same sequence; the c. name uses the placement nearest the transcript's 3' end. VCF-style (leftmost placement, unchanged base first): chr3-4652221-AAGT-A. GRCh37 (hg19) VCF-style: chr3-4693905-AAGT-A.
Other names: c.951+6_951+8del (NM_001099952.4, NM_001168272.2, NM_002222.7).
Identifiers: ClinVar variation 931709 (VCV000931709.8), dbSNP rs2093612036, ClinGen allele CA1139657833.
Genomic context (GRCh38, chr3:4,652,221, plus strand): 5'-TTGGAACAGCCTTTTCCGTTTCAAGCATCTGGCCACGGGGCATTACTTGGCAGCAGAGGT[AAGT>A]AGCAGCTCCTGTGGTTTTCTCTTTCAAGGCTGACGCACCTCACCGCCTTTCCTCATTCGC-3'

ClinVar aggregate classification (germline): Uncertain significance. Review status: criteria provided, multiple submitters, no conflicts (2 of 4 stars). 2 submissions from 2 submitters: Uncertain significance (2). Last evaluated 2023-08-17.

Conditions:
Gillespie syndrome (GLSP). Also called: Aniridia, cerebellar ataxia, and mental deficiency; Aniridia-cerebellar ataxia-intellectual disability syndrome. Identifiers: Orphanet 1065, MedGen C0431401, MONDO:0008795, OMIM 206700.

Submissions (2):

Labcorp Genetics (formerly Invitae), Labcorp
Classification: Uncertain significance. Last evaluated: 2023-08-17. Review status: criteria provided, single submitter. Criteria: Invitae Variant Classification Sherloc (09022015). Collection method: clinical testing. Allele origin: germline.
Comment: Variants that disrupt the consensus splice site are a relatively common cause of aberrant splicing (PMID: 17576681, 9536098). Algorithms developed to predict the effect of sequence changes on RNA splicing suggest that this variant is not likely to affect RNA splicing. In summary, the available evidence is currently insufficient to determine the role of this variant in disease. Therefore, it has been classified as a Variant of Uncertain Significance. ClinVar contains an entry for this variant (Variation ID: 931709). This sequence change falls in intron 11 of the ITPR1 gene. It does not directly change the encoded amino acid sequence of the ITPR1 protein. It affects a nucleotide within the consensus splice site. This variant is not present in population databases (gnomAD no frequency). This variant has not been reported in the literature in individuals affected with ITPR1-related conditions.

Centre for Mendelian Genomics, University Medical Centre Ljubljana
Classification: Uncertain significance for Gillespie syndrome. Last evaluated: 2019-10-02. Review status: criteria provided, single submitter. Criteria: ACMG Guidelines, 2015. Collection method: clinical testing. Allele origin: unknown. Affected: yes.
Comment: This variant was classified as: Uncertain significance. The available evidence on this variant's pathogenicity is insufficient or conflicting. The following ACMG criteria were applied in classifying this variant: PM2,BP4.

Literature cited by the submitters: PubMed 17576681 (cited by Labcorp Genetics (formerly Invitae), Labcorp); PubMed 9536098 (cited by Labcorp Genetics (formerly Invitae), Labcorp).